The following is an entry in ClinVar:

NM_006343.3(MERTK):c.2189+6A>G

Gene: MERTK (MER proto-oncogene, tyrosine kinase; plus strand). Cytogenetic location: 2q13.
Variant type: single nucleotide variant.
Coding change: c.2189+6A>G on transcript NM_006343.3 (MANE Select); 6 bases into the intron after coding-DNA position 2189, A replaced by G.
Molecular consequence: intron variant.
Genome position (GRCh38, 1-based): chr2:112,019,528, A>G. VCF-style: chr2-112019528-A-G. GRCh37 (hg19) VCF-style: chr2-112777105-A-G.
Identifiers: ClinVar variation 1366483 (VCV001366483.6), dbSNP rs1448210046, ClinGen allele CA535188317.

ClinVar aggregate classification (germline): Uncertain significance (1 of 4 stars; one submission).

Allele frequency attached by ClinVar (database versions not stated): gnomAD exomes below 0.00001; TOPMed below 0.00001; gnomAD 0.00001.

Submission:

Labcorp Genetics (formerly Invitae), Labcorp
Classification: Uncertain significance. Last evaluated: 2022-08-15. Review status: criteria provided, single submitter. Criteria: Invitae Variant Classification Sherloc (09022015). Collection method: clinical testing. Allele origin: germline.
Comment: This variant is present in population databases (no rsID available, gnomAD 0.007%). This variant has not been reported in the literature in individuals affected with MERTK-related conditions. ClinVar contains an entry for this variant (Variation ID: 1366483). Variants that disrupt the consensus splice site are a relatively common cause of aberrant splicing (PMID: 17576681, 9536098). Algorithms developed to predict the effect of sequence changes on RNA splicing suggest that this variant is not likely to affect RNA splicing. In summary, the available evidence is currently insufficient to determine the role of this variant in disease. Therefore, it has been classified as a Variant of Uncertain Significance. This sequence change falls in intron 16 of the MERTK gene. It does not directly change the encoded amino acid sequence of the MERTK protein. It affects a nucleotide within the consensus splice site.

Literature cited by the submitters: PubMed 17576681; PubMed 9536098.